The following is an entry in ClinVar:

ClinVar aggregate classification (germline): Likely benign (1 of 4 stars; one submission).

Allele frequency attached by ClinVar (database versions not stated): TOPMed below 0.00001; gnomAD exomes 0.00002 and 0.00006; ExAC 0.00012.
gnomAD v4.1: 33 of 1,612,884 alleles (0.002%); highest among the groups gnomAD compares: Non-Finnish European, 0.0021%; no homozygotes.

Submission:

GeneDx
Classification: Likely benign. Last evaluated: 2017-10-19. Review status: criteria provided, single submitter. Criteria: GeneDx Variant Classification (06012015). Collection method: clinical testing. Allele origin: germline. Affected: yes.
Comment: This variant is considered likely benign or benign based on one or more of the following criteria: it is a conservative change, it occurs at a poorly conserved position in the protein, it is predicted to be benign by multiple in silico algorithms, and/or has population frequency not consistent with disease.

NM_000747.3(CHRNB1):c.63C>T (p.Val21=)

Gene: CHRNB1 (cholinergic receptor nicotinic beta 1 subunit; plus strand). Cytogenetic location: 17p13.1.
Variant type: single nucleotide variant.
Coding change: c.63C>T on transcript NM_000747.3 (MANE Select); coding-DNA position 63, C replaced by T.
Protein change: p.Val21=; no amino-acid change (valine 21 retained).
Molecular consequence: synonymous variant.
Genome position (GRCh38, 1-based): chr17:7,445,274, C>T. VCF-style: chr17-7445274-C-T. GRCh37 (hg19) VCF-style: chr17-7348593-C-T.
Identifiers: ClinVar variation 512743 (VCV000512743.1), dbSNP rs746753981, ClinGen allele CA8347625.